The following is an entry in ClinVar:

NM_002860.4(ALDH18A1):c.1605+111T>C

Gene: ALDH18A1 (aldehyde dehydrogenase 18 family member A1; minus strand). Cytogenetic location: 10q24.1.
Variant type: single nucleotide variant.
Coding change: c.1605+111T>C on transcript NM_002860.4 (MANE Select); 111 bases into the intron after coding-DNA position 1605, T replaced by C.
Molecular consequence: intron variant.
Genome position (GRCh38, 1-based): chr10:95,616,366, A>G on the plus strand (T>C on the coding strand, the complement: ALDH18A1 is on the minus strand). VCF-style: chr10-95616366-A-G. GRCh37 (hg19) VCF-style: chr10-97376123-A-G.
Other names: c.969+111T>C (NM_001323419.2); c.1272+111T>C (NM_001323412.2, NM_001323416.2); c.1500+111T>C (NM_001323417.2); c.1599+111T>C (NM_001017423.2, NM_001323415.2); c.1266+111T>C (NM_001323418.2); c.1605+111T>C (NM_001323413.2, NM_001323414.2).
Identifiers: ClinVar variation 679383 (VCV000679383.1), dbSNP rs72807340, ClinGen allele CA211789615.
Genomic context (GRCh38, chr10:95,616,366, plus strand): 5'-CCCATCTGGCTCTGCAGAATGGCCTAAAGTCTGAAGGCTCACAGGCCTGCTGGAGTGTCA[A>G]GTCTGCTTGTAGTAGTGTCTTGGCTCTGTGTGGCCTAAGTTTTGCTTTAAATTCCCAAAC-3'

ClinVar aggregate classification (germline): Likely benign (1 of 4 stars; one submission).

Allele frequency attached by ClinVar (database versions not stated): 1000 Genomes Project 0.00719; 1000 Genomes Project 30x 0.00812; gnomAD 0.01227 and 0.01241; TOPMed 0.01281; gnomAD exomes 0.01697.
gnomAD v4.1: 23,427 of 1,430,996 alleles (1.6%); highest among the groups gnomAD compares: Non-Finnish European, 1.9%; 244 homozygotes.

Submission:

GeneDx
Classification: Likely benign. Last evaluated: 2018-06-19. Review status: criteria provided, single submitter. Criteria: GeneDx Variant Classification (06012015). Collection method: clinical testing. Allele origin: germline. Affected: yes.
Comment: This variant is considered likely benign or benign based on one or more of the following criteria: it is a conservative change, it occurs at a poorly conserved position in the protein, it is predicted to be benign by multiple in silico algorithms, and/or has population frequency not consistent with disease.